The following is an entry in ClinVar:

NM_001008537.3(NEXMIF):c.3694A>G (p.Ile1232Val)

Gene: NEXMIF (neurite extension and migration factor; minus strand). Cytogenetic location: Xq13.3.
Variant type: single nucleotide variant.
Coding change: c.3694A>G on transcript NM_001008537.3 (MANE Select); coding-DNA position 3694, A replaced by G.
Protein change: p.Ile1232Val; replaces isoleucine 1232 with valine.
Molecular consequence: missense variant.
Genome position (GRCh38, 1-based): chrX:74,740,863, T>C on the plus strand (A>G on the coding strand, the complement: NEXMIF is on the minus strand). VCF-style: chrX-74740863-T-C. GRCh37 (hg19) VCF-style: chrX-73960698-T-C.
Other names: c.3694A>G (NM_001008537.2); short protein forms I1232V.
Identifiers: ClinVar variation 4527668 (VCV004527668.4).

ClinVar aggregate classification (germline): Uncertain significance. Review status: criteria provided, multiple submitters, no conflicts (2 of 4 stars). 3 submissions from 3 submitters: Uncertain significance (3). Last evaluated 2026-02-17.

gnomAD v4.1: 1 of 1,210,877 alleles (0.000083%); highest among the groups gnomAD compares: Non-Finnish European, 0.00011%; no homozygotes.

Submissions (3):

Ambry Genetics
Classification: Uncertain significance. Last evaluated: 2026-02-17. Review status: criteria provided, single submitter. Criteria: Ambry Variant Classification Scheme 2023. Collection method: clinical testing. Allele origin: germline.

Dasa
Classification: Uncertain significance. Last evaluated: 2025-04-30. Review status: criteria provided, single submitter. Criteria: DASA Assertion Criteria. Collection method: clinical testing. Allele origin: germline.
Comment: NM_001008537.3(NEXMIF):c.3694A>G (p.Ile1232Val) is a missense variant that results in the substitution of isoleucine with valine. This variant is rare in population databases. Computational prediction algorithms are consistent with a benign effect. The currently available literature and clinical evidence are not sufficient to establish a definitive association between this variant and the reported condition. Therefore, this variant is classified as a variant of uncertain significance.

GeneDx
Classification: Uncertain significance. Last evaluated: 2025-04-28. Review status: criteria provided, single submitter. Criteria: GeneDx Variant Classification Process June 2021. Collection method: clinical testing. Allele origin: germline. Affected: yes.
Comment: In silico analysis indicates that this missense variant does not alter protein structure/function; Not observed at significant frequency in large population cohorts (gnomAD); Has not been previously published as pathogenic or benign to our knowledge